The following is an entry in ClinVar:

ClinVar aggregate classification (germline): Uncertain significance (1 of 4 stars; one submission).

Allele frequency attached by ClinVar (database versions not stated): gnomAD 0.00001; TOPMed 0.00001.

Submission:

Labcorp Genetics (formerly Invitae), Labcorp
Classification: Uncertain significance. Last evaluated: 2023-10-04. Review status: criteria provided, single submitter. Criteria: Invitae Variant Classification Sherloc (09022015). Collection method: clinical testing. Allele origin: germline.
Comment: This sequence change replaces alanine, which is neutral and non-polar, with threonine, which is neutral and polar, at codon 340 of the GPR143 protein (p.Ala340Thr). This variant is not present in population databases (gnomAD no frequency). This variant has not been reported in the literature in individuals affected with GPR143-related conditions. Advanced modeling of protein sequence and biophysical properties (such as structural, functional, and spatial information, amino acid conservation, physicochemical variation, residue mobility, and thermodynamic stability) performed at Invitae indicates that this missense variant is not expected to disrupt GPR143 protein function. In summary, the available evidence is currently insufficient to determine the role of this variant in disease. Therefore, it has been classified as a Variant of Uncertain Significance.

NM_000273.3(GPR143):c.1018G>A (p.Ala340Thr)

Gene: GPR143 (G protein-coupled receptor 143; minus strand). Cytogenetic location: Xp22.2.
Variant type: single nucleotide variant.
Coding change: c.1018G>A on transcript NM_000273.3 (MANE Select); coding-DNA position 1018, G replaced by A.
Protein change: p.Ala340Thr; replaces alanine 340 with threonine.
Molecular consequence: missense variant.
Genome position (GRCh38, 1-based): chrX:9,739,587, C>T on the plus strand (G>A on the coding strand, the complement: GPR143 is on the minus strand). VCF-style: chrX-9739587-C-T. GRCh37 (hg19) VCF-style: chrX-9707627-C-T.
Other names: short protein forms A340T.
Identifiers: ClinVar variation 2846344 (VCV002846344.3), dbSNP rs2083393603, ClinGen allele CA411995184.